The following is an entry in ClinVar:

NM_004415.4(DSP):c.7123G>C (p.Gly2375Arg)

Gene: DSP (desmoplakin; plus strand). Cytogenetic location: 6p24.3.
Variant type: single nucleotide variant.
Coding change: c.7123G>C on transcript NM_004415.4 (MANE Select); coding-DNA position 7123, G replaced by C.
Protein change: p.Gly2375Arg; replaces glycine 2375 with arginine.
Molecular consequence: missense variant.
Genome position (GRCh38, 1-based): chr6:7,584,385, G>C. VCF-style: chr6-7584385-G-C. GRCh37 (hg19) VCF-style: chr6-7584618-G-C.
Other names: c.5326G>C, p.Gly1776Arg (NM_001008844.3); c.5794G>C, p.Gly1932Arg (NM_001319034.2); short protein forms G1776R, G2375R, G1932R.
Identifiers: ClinVar variation 161228 (VCV000161228.7), dbSNP rs376923069, ClinGen allele CA004694.

ClinVar aggregate classification (germline): Likely pathogenic. Review status: criteria provided, multiple submitters, no conflicts (2 of 4 stars). 4 submissions from 4 submitters: Likely pathogenic (2). 2 of the submissions do not count toward it. Last evaluated 2026-06-08.

Conditions:
Skin fragility-woolly hair-palmoplantar keratoderma syndrome. Identifiers: Orphanet 293165, MedGen C4755263, MONDO:0011882.
Cardiovascular phenotype. Identifiers: MedGen CN230736.
Arrhythmogenic cardiomyopathy with wooly hair and keratoderma. Also called: Dilated cardiomyopathy with woolly hair and keratoderma; Arrhythmogenic cardiomyopathy with woolly hair and keratoderma; PALMOPLANTAR KERATODERMA WITH LEFT VENTRICULAR CARDIOMYOPATHY AND WOOLLY HAIR; Carvajal syndrome. Identifiers: Orphanet 65282, MedGen C1854063, MONDO:0011581, OMIM 605676.

Allele frequency attached by ClinVar (database versions not stated): TOPMed 0.00001; ESP Exome Variant Server 0.00008.
gnomAD v4.1: 1 of 1,610,836 alleles (0.000062%); highest among the groups gnomAD compares: Non-Finnish European, 0.000085%; no homozygotes.

Submissions (4):

Ambry Genetics
Classification: Likely pathogenic for Cardiovascular phenotype. Last evaluated: 2026-06-08. Review status: criteria provided, single submitter. Criteria: Ambry Variant Classification Scheme 2023. Collection method: clinical testing. Allele origin: germline.
Comment: The p.G2375R variant (also known as c.7123G>C), located in coding exon 24 of the DSP gene, results from a G to C substitution at nucleotide position 7123. The glycine at codon 2375 is replaced by arginine, an amino acid with dissimilar properties. This variant has been identified in the homozygous state in a proband with arrhythmogenic right ventricular cardiomyopathy, woolly hair, skin disorder, and family history of sudden death in relatives with similar skin and hair findings. Heterozygous carriers from the family were reportedly unaffected (Alcalai R et al. J Am Coll Cardiol, 2003 Jul;42:319-27). This variant has also been identified in the compound heterozygous state in trans with a second DSP variant in an individual with Carvajal syndrome, woolly hair, keratoderma, and dilated cardiomyopathy requiring transplant. A sibling with both variants had similar skin and hair findings (Yermakovich D et al. Acta Myol, 2018 Dec;37:263-266). Another variant resulting in the same amino acid change (DSP c.7123G>A) was identified in the homozygous state in a proband with epidermolysis bullosa simplex and woolly hair (Nanda A et al. Int J Dermatol, 2018 Sep;57:1058-1067). Functional studies have indicated that this variant may impact normal protein function, including protein binding interactions (Favre B et al. Br J Dermatol, 2018 Sep;179:797-799; Mohammed F et al. Int J Mol Sci, 2022 Jan;23). This amino acid position is highly conserved in available vertebrate species. In addition, this alteration is predicted to be deleterious by in silico analysis. This variant is considered to be rare based on population cohorts in the Genome Aggregation Database (gnomAD). Based on the majority of available evidence to date, this variant is likely to be pathogenic.

Laboratory for Molecular Medicine, Mass General Brigham Personalized Medicine
Classification: Likely pathogenic for Skin fragility-woolly hair-palmoplantar keratoderma syndrome. Last evaluated: 2022-11-04. Review status: criteria provided, single submitter. Criteria: ACMG Guidelines, 2015. Collection method: clinical testing. Allele origin: germline. Inheritance: Autosomal recessive inheritance.
Comment: proposed classification - variant undergoing re-assessment, contact laboratory

CSER _CC_NCGL, University of Washington
Classification: Uncertain significance for Dilated cardiomyopathy, woolly hair, keratoderma. Last evaluated: 2014-06-01. Review status: no assertion criteria provided. Collection method: research. Allele origin: germline. Inheritance: Autosomal dominant inheritance. Study: ESP 6500 variant annotation. Not counted in ClinVar's aggregate classification.
Comment: Variants classified for the Actionable exomic incidental findings in 6503 participants: challenges of variant classification manuscript

OMIM
Classification: Pathogenic for CARDIOMYOPATHY, DILATED, WITH WOOLLY HAIR AND KERATODERMA. Last evaluated: 2003-07-16. Review status: no assertion criteria provided. Collection method: literature only. Allele origin: germline. Not counted in ClinVar's aggregate classification.

Literature cited by the submitters: PubMed 29878302 (cited by Ambry Genetics and OMIM); PubMed 30011071 (cited by Ambry Genetics); PubMed 30944905 (cited by Ambry Genetics); PubMed 35008956 (cited by Ambry Genetics); PubMed 12875771 (cited by OMIM).